The following is an entry in ClinVar:

NM_006859.4(LIAS):c.725C>G (p.Pro242Arg)

Gene: LIAS (lipoic acid synthetase; plus strand). Cytogenetic location: 4p14.
Variant type: single nucleotide variant.
Coding change: c.725C>G on transcript NM_006859.4 (MANE Select); coding-DNA position 725, C replaced by G.
Protein change: p.Pro242Arg; replaces proline 242 with arginine.
Molecular consequence: missense variant. On other transcripts: intron variant (1).
Genome position (GRCh38, 1-based): chr4:39,467,634, C>G. VCF-style: chr4-39467634-C-G. GRCh37 (hg19) VCF-style: chr4-39469254-C-G.
Other names: c.416C>G, p.Pro139Arg (NM_001363700.2); c.725C>G, p.Pro242Arg (NM_194451.3); c.608+2292C>G (NM_001278590.2); short protein forms P139R, P242R.
Identifiers: ClinVar variation 2710380 (VCV002710380.3), dbSNP rs746107734, ClinGen allele CA356665085.

ClinVar aggregate classification (germline): Uncertain significance (1 of 4 stars; one submission).

Conditions:
Lipoic acid synthetase deficiency. Also called: HYPERGLYCINEMIA, LACTIC ACIDOSIS, AND SEIZURES. Identifiers: Orphanet 401859, MedGen C3280887, MONDO:0013762, OMIM 614462.

Submission:

Labcorp Genetics (formerly Invitae), Labcorp
Classification: Uncertain significance for Lipoic acid synthetase deficiency. Last evaluated: 2023-06-19. Review status: criteria provided, single submitter. Criteria: Invitae Variant Classification Sherloc (09022015). Collection method: clinical testing. Allele origin: germline.
Comment: This sequence change replaces proline, which is neutral and non-polar, with arginine, which is basic and polar, at codon 242 of the LIAS protein (p.Pro242Arg). This variant is not present in population databases (gnomAD no frequency). This variant has not been reported in the literature in individuals affected with LIAS-related conditions. Advanced modeling of protein sequence and biophysical properties (such as structural, functional, and spatial information, amino acid conservation, physicochemical variation, residue mobility, and thermodynamic stability) performed at Invitae indicates that this missense variant is not expected to disrupt LIAS protein function. In summary, the available evidence is currently insufficient to determine the role of this variant in disease. Therefore, it has been classified as a Variant of Uncertain Significance.